The following is an entry in ClinVar:

ClinVar aggregate classification (germline): Uncertain significance (1 of 4 stars; one submission).

Submission:

Ambry Genetics
Classification: Uncertain significance. Last evaluated: 2025-01-31. Review status: criteria provided, single submitter. Criteria: Ambry Variant Classification Scheme 2023. Collection method: clinical testing. Allele origin: germline.
Comment: The p.N269K variant (also known as c.807T>A), located in coding exon 4 of the MYOM1 gene, results from a T to A substitution at nucleotide position 807. The asparagine at codon 269 is replaced by lysine, an amino acid with similar properties. This amino acid position is conserved. In addition, this alteration is predicted to be tolerated by in silico analysis. Based on the available evidence, the clinical significance of this variant remains unclear.

NM_003803.4(MYOM1):c.807T>A (p.Asn269Lys)

Gene: MYOM1 (myomesin 1; minus strand). Cytogenetic location: 18p11.31.
Variant type: single nucleotide variant.
Coding change: c.807T>A on transcript NM_003803.4 (MANE Select); coding-DNA position 807, T replaced by A.
Protein change: p.Asn269Lys; replaces asparagine 269 with lysine.
Molecular consequence: missense variant.
Genome position (GRCh38, 1-based): chr18:3,187,602, A>T on the plus strand (T>A on the coding strand, the complement: MYOM1 is on the minus strand). VCF-style: chr18-3187602-A-T. GRCh37 (hg19) VCF-style: chr18-3187600-A-T.
Other names: c.807T>A, p.Asn269Lys (NM_019856.2); short protein forms N269K.
Identifiers: ClinVar variation 3877143 (VCV003877143.1).